The following is an entry in ClinVar:

NM_000138.5(FBN1):c.5700T>A (p.Cys1900Ter)

Gene: FBN1 (fibrillin 1; minus strand). Cytogenetic location: 15q21.1.
Variant type: single nucleotide variant.
Coding change: c.5700T>A on transcript NM_000138.5 (MANE Select); coding-DNA position 5700, T replaced by A.
Protein change: p.Cys1900Ter; replaces cysteine 1900 with a stop codon.
Molecular consequence: nonsense.
Genome position (GRCh38, 1-based): chr15:48,446,794, A>T on the plus strand (T>A on the coding strand, the complement: FBN1 is on the minus strand). VCF-style: chr15-48446794-A-T. GRCh37 (hg19) VCF-style: chr15-48738991-A-T.
Other names: p.C1900X:TGT>TGA; short protein forms C1900*.
Identifiers: ClinVar variation 200062 (VCV000200062.2), dbSNP rs794728236, ClinGen allele CA015978.

ClinVar aggregate classification (germline): Pathogenic (1 of 4 stars; one submission).

Submission:

GeneDx
Classification: Pathogenic. Last evaluated: 2014-05-14. Review status: criteria provided, single submitter. Criteria: GeneDx Variant Classification (06012015). Collection method: clinical testing. Allele origin: germline. Affected: yes.
Comment: p.Cys1900Stop (TGT>TGA): c.5700 T>A in exon 47 of the FBN1 gene (NM_000138.4)The C1900X mutation in the FBN1 gene has not been reported as a disease-causing mutation or as a benign polymorphism to our knowledge. C1900X is predicted to cause loss of normal protein function either by protein truncation or nonsense-mediated mRNA decay. Other nonsense mutations in the FBN1 gene have been reported in association with Marfan syndrome. In summary, C1900X in the FBN1 gene is interpreted as a disease-causing mutation. The variant is found in TAAD panel(s).